The following is an entry in ClinVar:

ClinVar aggregate classification (germline): Benign (1 of 4 stars; one submission).

Allele frequency attached by ClinVar (database versions not stated): gnomAD exomes 0.34746; 1000 Genomes Project 0.37220; 1000 Genomes Project 30x 0.38023; gnomAD 0.42228; TOPMed 0.43503; ExAC 0.65385.
gnomAD v4.1: 64,284 of 152,258 alleles (42%); highest among the groups gnomAD compares: African/African-American, 52%; 14,139 homozygotes.

Submission:

Unidad de Genómica Garrahan, Hospital de Pediatría Garrahan
Classification: Benign. Last evaluated: 2023-11-12. Review status: criteria provided, single submitter. Criteria: ACMG Guidelines, 2015. Collection method: clinical testing. Allele origin: germline. Affected: no. Observed: 65 variant alleles.
Comment: This variant is classified as Benign based on local population frequency. This variant was detected in 68% of patients studied by a panel of primary immunodeficiencies. Number of patients: 65. Only high quality variants are reported.

NM_000285.4(PEPD):c.968-4654C>T

Gene: PEPD (peptidase D; minus strand). Cytogenetic location: 19q13.11.
Variant type: single nucleotide variant.
Coding change: c.968-4654C>T on transcript NM_000285.4 (MANE Select); 4654 bases into the intron before coding-DNA position 968, C replaced by T.
Molecular consequence: intron variant.
Genome position (GRCh38, 1-based): chr19:33,396,133, G>A on the plus strand (C>T on the coding strand, the complement: PEPD is on the minus strand). VCF-style: chr19-33396133-G-A. GRCh37 (hg19) VCF-style: chr19-33887039-G-A.
Other names: c.776-4654C>T (NM_001166057.2); c.845-4654C>T (NM_001166056.2).
Identifiers: ClinVar variation 2628135 (VCV002628135.2), dbSNP rs7245772, ClinGen allele CA9364043.